The following is an entry in ClinVar:

ClinVar aggregate classification (germline): Uncertain significance (1 of 4 stars; one submission).

Conditions:
KMT2E-related disorder. Also called: KMT2E-related condition.

Submission:

PreventionGenetics, part of Exact Sciences
Classification: Uncertain significance for KMT2E-related condition. Last evaluated: 2025-06-24. Review status: criteria provided, single submitter. Criteria: ACMG Guidelines, 2015. Collection method: clinical testing. Allele origin: germline.
Comment: The KMT2E c.1483G>A variant is predicted to result in the amino acid substitution p.Asp495Asn. To our knowledge, this variant has not been reported in the literature or in a large population database (gnomAD), indicating this variant is rare. At this time, the clinical significance of this variant is uncertain due to the absence of conclusive functional and genetic evidence.

NM_182931.3(KMT2E):c.1483G>A (p.Asp495Asn)

Gene: KMT2E (lysine methyltransferase 2E (inactive); plus strand). Cytogenetic location: 7q22.3.
Variant type: single nucleotide variant.
Coding change: c.1483G>A on transcript NM_182931.3 (MANE Select); coding-DNA position 1483, G replaced by A.
Protein change: p.Asp495Asn; replaces aspartic acid 495 with asparagine.
Molecular consequence: missense variant.
Genome position (GRCh38, 1-based): chr7:105,090,133, G>A. VCF-style: chr7-105090133-G-A. GRCh37 (hg19) VCF-style: chr7-104730580-G-A.
Other names: c.1483G>A, p.Asp495Asn (NM_001410908.1, NM_018682.4); short protein forms D495N.
Identifiers: ClinVar variation 5001674 (VCV005001674.1).